The following is an entry in ClinVar:

ClinVar aggregate classification (germline): Likely benign (1 of 4 stars; one submission).

Submission:

CeGaT Center for Human Genetics Tuebingen
Classification: Likely benign. Last evaluated: 2026-09-01. Review status: criteria provided, single submitter. Criteria: CeGaT Center For Human Genetics Tuebingen Variant Classification Criteria Version 2. Collection method: clinical testing. Allele origin: germline. Affected: yes. Observed: 1 variant allele.
Comment: CUX1: BS2

NM_181552.4(CUX1):c.3368_3369delinsGT (p.Ser1123Cys)

Gene: CUX1 (cut like homeobox 1; plus strand). Cytogenetic location: 7q22.1.
Variant type: Indel.
Coding change: c.3368_3369delinsGT on transcript NM_181552.4 (MANE Select); coding-DNA positions 3368 to 3369, CC replaced by GT.
Protein change: p.Ser1123Cys; replaces serine 1123 with cysteine.
Molecular consequence: missense variant. On other transcripts: intron variant (5).
Genome position (GRCh38, 1-based): chr7:102,227,604-102,227,605, CC replaced by GT. VCF-style: chr7-102227604-CC-GT. GRCh37 (hg19) VCF-style: chr7-101870884-CC-GT.
Other names: c.3401_3402delinsGT, p.Ser1134Cys (NM_001202543.2); c.1255+32001_1255+32002delinsGT (NM_001913.5); c.1249+32001_1249+32002delinsGT (NM_181500.4); c.1117+32001_1117+32002delinsGT (NM_001202545.3); c.1207+32001_1207+32002delinsGT (NM_001202544.3); c.1138+32001_1138+32002delinsGT (NM_001202546.3); short protein forms S1123C, S1134C.
Identifiers: ClinVar variation 5041466 (VCV005041466.1).